The following is an entry in ClinVar:

ClinVar aggregate classification (germline): Conflicting classifications of pathogenicity. Review status: criteria provided, conflicting classifications (1 of 4 stars). 3 submissions from 3 submitters: Uncertain significance (1); Likely benign (1). 1 of the submissions does not count toward it. Last evaluated 2019-12-31.

Conditions:
Autosomal recessive congenital ichthyosis 3 (ARCI3). Also called: ICHTHYOSIS, LAMELLAR, 5. Identifiers: MedGen C3539888, MONDO:0011680, OMIM 606545.
ALOXE3-related disorder. Also called: ALOXE3-related condition.

Allele frequency attached by ClinVar (database versions not stated): ExAC 0.00010; 1000 Genomes Project 30x 0.00016; gnomAD exomes 0.00031 and 0.00039; gnomAD 0.00034 and 0.00038; TOPMed 0.00045.
gnomAD v4.1: 492 of 1,551,746 alleles (0.032%); highest among the groups gnomAD compares: Admixed American, 0.15%; no homozygotes.

Submissions (3):

Labcorp Genetics (formerly Invitae), Labcorp
Classification: Likely benign. Last evaluated: 2019-12-31. Review status: criteria provided, single submitter. Criteria: Invitae Variant Classification Sherloc (09022015). Collection method: clinical testing. Allele origin: germline.

Illumina Laboratory Services, Illumina
Classification: Uncertain significance for Autosomal recessive congenital ichthyosis 3. Last evaluated: 2018-01-12. Review status: criteria provided, single submitter. Criteria: ICSL Variant Classification Criteria 13 December 2019. Collection method: clinical testing. Allele origin: germline.

PreventionGenetics, part of Exact Sciences
Classification: Likely benign for ALOXE3-related condition. Last evaluated: 2019-09-30. Review status: no assertion criteria provided. Collection method: clinical testing. Allele origin: germline. Not counted in ClinVar's aggregate classification.
Comment: This variant is classified as likely benign based on ACMG/AMP sequence variant interpretation guidelines (Richards et al. 2015 PMID: 25741868, with internal and published modifications).

NM_021628.3(ALOXE3):c.-295T>C

Genes: ALOXE3 (arachidonate epidermal lipoxygenase 3; minus strand), LOC126862485 (CDK7 strongly-dependent group 2 enhancer GRCh37_chr17:8020998-8022197; plus strand). Cytogenetic location: 17p13.1.
Variant type: single nucleotide variant.
Coding change: c.-295T>C on transcript NM_021628.3 (MANE Select); 295 bases upstream of the start codon, T replaced by C.
Molecular consequence: 5 prime UTR variant. On other transcripts: synonymous variant (1).
Genome position (GRCh38, 1-based): chr17:8,118,285, A>G on the plus strand (T>C on the coding strand, the complement: ALOXE3 is on the minus strand). VCF-style: chr17-8118285-A-G. GRCh37 (hg19) VCF-style: chr17-8021603-A-G.
Other names: c.102T>C, p.Asp34= (NM_001165960.1); c.-295T>C (NM_001369446.1).
Identifiers: ClinVar variation 325981 (VCV000325981.11), dbSNP rs575913104, ClinGen allele CA8368581.